The following is an entry in ClinVar:

ClinVar aggregate classification (germline): Uncertain significance (1 of 4 stars; one submission).

Conditions:
Epilepsy. Also called: Seizure disorder. Identifiers: MedGen C0014544, MeSH D004827, MONDO:0005027.

Allele frequency attached by ClinVar (database versions not stated): gnomAD 0.00002; TOPMed 0.00003; 1000 Genomes Project 0.00020; 1000 Genomes Project 30x 0.00031.
gnomAD v4.1: 3 of 1,599,588 alleles (0.00019%); highest among the groups gnomAD compares: Admixed American, 0.005%; no homozygotes.

Submission:

Labcorp Genetics (formerly Invitae), Labcorp
Classification: Uncertain significance for Epilepsy. Last evaluated: 2022-02-02. Review status: criteria provided, single submitter. Criteria: Invitae Variant Classification Sherloc (09022015). Collection method: clinical testing. Allele origin: germline.
Comment: This variant has not been reported in the literature in individuals affected with PIGQ-related conditions. In summary, the available evidence is currently insufficient to determine the role of this variant in disease. Therefore, it has been classified as a Variant of Uncertain Significance. Algorithms developed to predict the effect of missense changes on protein structure and function output the following: SIFT: "Tolerated"; PolyPhen-2: "Benign"; Align-GVGD: "Class C0". The alanine amino acid residue is found in multiple mammalian species, which suggests that this missense change does not adversely affect protein function. This variant is not present in population databases (gnomAD no frequency). This sequence change replaces serine, which is neutral and polar, with alanine, which is neutral and non-polar, at codon 209 of the PIGQ protein (p.Ser209Ala).

NM_004204.5(PIGQ):c.625T>G (p.Ser209Ala)

Gene: PIGQ (phosphatidylinositol glycan anchor biosynthesis class Q; plus strand). Cytogenetic location: 16p13.3.
Variant type: single nucleotide variant.
Coding change: c.625T>G on transcript NM_004204.5 (MANE Select); coding-DNA position 625, T replaced by G.
Protein change: p.Ser209Ala; replaces serine 209 with alanine.
Molecular consequence: missense variant.
Genome position (GRCh38, 1-based): chr16:574,699, T>G. VCF-style: chr16-574699-T-G. GRCh37 (hg19) VCF-style: chr16-624699-T-G.
Other names: c.625T>G, p.Ser209Ala (NM_148920.4); short protein forms S209A.
Identifiers: ClinVar variation 2194035 (VCV002194035.4), dbSNP rs548178683, ClinGen allele CA276482322.
Genomic context (GRCh38, chr16:574,699, plus strand): 5'-AGCCACTGGCAGTCGGAGGGCGTGGAGGCCAGCATCCTCGCGGAGCTGGCCAGGCGAGCC[T>G]CGGGACCCATTTGCCTGCTGTTGGCCAGCCTGCTGTCGCTGGTCTCAGCTGTCAGTGCCT-3'
Protein context (NP_004195.2, residues 199-219): SILAELARRA[Ser209Ala]GPICLLLASL